The following is an entry in ClinVar:

ClinVar aggregate classification (germline): Likely benign (0 of 4 stars; one submission).

Conditions:
CYP3A5-related disorder. Also called: CYP3A5-related condition.

Allele frequency attached by ClinVar (database versions not stated): ExAC 0.00012; ESP Exome Variant Server 0.00015; gnomAD 0.00011; gnomAD exomes 0.00012; TOPMed 0.00012.
gnomAD v4.1: 186 of 1,613,988 alleles (0.012%); highest among the groups gnomAD compares: Non-Finnish European, 0.015%; no homozygotes.

Submission:

PreventionGenetics, part of Exact Sciences
Classification: Likely benign for CYP3A5-related condition. Last evaluated: 2019-09-17. Review status: no assertion criteria provided. Collection method: clinical testing. Allele origin: germline.
Comment: This variant is classified as likely benign based on ACMG/AMP sequence variant interpretation guidelines (Richards et al. 2015 PMID: 25741868, with internal and published modifications).

NM_000777.5(CYP3A5):c.1191A>C (p.Pro397=)

Genes: CYP3A5 (cytochrome P450 family 3 subfamily A member 5; minus strand), ZSCAN25 (zinc finger and SCAN domain containing 25; plus strand). Cytogenetic location: 7q22.1.
Variant type: single nucleotide variant.
Coding change: c.1191A>C on transcript NM_000777.5 (MANE Select); coding-DNA position 1191, A replaced by C.
Protein change: p.Pro397=; no amino-acid change (proline 397 retained).
Molecular consequence: synonymous variant. On other transcripts: non-coding transcript variant (1), intron variant (2).
Genome position (GRCh38, 1-based): chr7:99,652,615, T>G on the plus strand (A>C on the coding strand, the complement: CYP3A5 is on the minus strand). VCF-style: chr7-99652615-T-G. GRCh37 (hg19) VCF-style: chr7-99250238-T-G.
Other names: c.1161A>C, p.Pro387= (NM_001291830.2); c.806-16480T>G (NM_001350985.2, NM_001350984.2); c.852A>C, p.Pro284= (NM_001291829.2).
Identifiers: ClinVar variation 3040536 (VCV003040536.2), dbSNP rs200628208, ClinGen allele CA4368423.